The following is an entry in ClinVar:

NM_020821.3(VPS13C):c.9369A>G (p.Pro3123=)

Gene: VPS13C (vacuolar protein sorting 13 homolog C; minus strand). Cytogenetic location: 15q22.2.
Variant type: single nucleotide variant.
Coding change: c.9369A>G on transcript NM_020821.3 (MANE Select); coding-DNA position 9369, A replaced by G.
Protein change: p.Pro3123=; no amino-acid change (proline 3123 retained).
Molecular consequence: synonymous variant.
Genome position (GRCh38, 1-based): chr15:61,884,242, T>C on the plus strand (A>G on the coding strand, the complement: VPS13C is on the minus strand). VCF-style: chr15-61884242-T-C. GRCh37 (hg19) VCF-style: chr15-62176441-T-C.
Other names: c.9369A>G, p.Pro3123= (NM_001018088.3); c.9240A>G, p.Pro3080= (NM_017684.5, NM_018080.4).
Identifiers: ClinVar variation 3025214 (VCV003025214.22), dbSNP rs541190596, ClinGen allele CA7594669.

ClinVar aggregate classification (germline): Likely benign (1 of 4 stars; one submission).

Allele frequency attached by ClinVar (database versions not stated): gnomAD 0.00002; gnomAD exomes 0.00004; ExAC 0.00009; 1000 Genomes Project 0.00040; 1000 Genomes Project 30x 0.00062.
gnomAD v4.1: 69 of 1,611,332 alleles (0.0043%); highest among the groups gnomAD compares: South Asian, 0.071%; 2 homozygotes.

Submission:

CeGaT Center for Human Genetics Tuebingen
Classification: Likely benign. Last evaluated: 2023-12-01. Review status: criteria provided, single submitter. Criteria: CeGaT Center For Human Genetics Tuebingen Variant Classification Criteria Version 2. Collection method: clinical testing. Allele origin: germline. Affected: yes. Observed: 1 variant allele.
Comment: VPS13C: BP4, BP7